The following is an entry in ClinVar:

NM_015512.5(DNAH1):c.6692C>T (p.Thr2231Met)

Gene: DNAH1 (dynein axonemal heavy chain 1; plus strand). Cytogenetic location: 3p21.1.
Variant type: single nucleotide variant.
Coding change: c.6692C>T on transcript NM_015512.5 (MANE Select); coding-DNA position 6692, C replaced by T.
Protein change: p.Thr2231Met; replaces threonine 2231 with methionine.
Molecular consequence: missense variant.
Genome position (GRCh38, 1-based): chr3:52,372,252, C>T. VCF-style: chr3-52372252-C-T. GRCh37 (hg19) VCF-style: chr3-52406268-C-T.
Other names: short protein forms T2231M.
Identifiers: ClinVar variation 3239655 (VCV003239655.2).
Genomic context (GRCh38, chr3:52,372,252, plus strand): 5'-CACCGCATGCTCCTGTGCCATCCCCGCTCTGCCAGGTGCTGTGCATTGGGCCAACAGGCA[C>T]GGGGAAGACGCTCACCATCTCTGACAAGCTCCTCAAGAACCTGGCACTGGATTACATCAG-3'
Protein context (NP_056327.4, residues 2221-2241): KPVLCIGPTG[Thr2231Met]GKTLTISDKL

ClinVar aggregate classification (germline): Likely pathogenic (1 of 4 stars; one submission).

Conditions:
Oligospermia. Identifiers: MedGen C0028960, MeSH D009845, MONDO:0001913.
Reduced sperm motility. Also called: asthenozoospermia. Identifiers: MedGen C4082176, HP:0012207.
Abnormal sperm morphology. Also called: Teratozoospermia. Identifiers: MedGen C0403824, HP:0012864.

gnomAD v4.1: 17 of 1,613,924 alleles (0.0011%); highest among the groups gnomAD compares: Admixed American, 0.01%; no homozygotes.

Submission:

Huzhibin Lab, Nanjing Medical University
Classification: Likely pathogenic for Oligozoospermia; Reduced sperm motility; Abnormal sperm morphology. Review status: criteria provided, single submitter. Criteria: ACMG Guidelines, 2015. Collection method: research. Allele origin: germline. Inheritance: Autosomal recessive inheritance. Affected: yes. Observed: 1 variant allele, 1 homozygote.
Comment: Criteria:PS4,PM2,PP3 This gene is a known causative gene for teratozoospermia, and male knockout mice of this gene have been shown to have a teratospermic phenotype and be infertile in males. While the variant we found here is a missense but not LoF variant. This rare homozygous variant in this gene was not found in the control population, and this variant cannot be found in the gnomad and ExAC databases, it was also predicted to be pathogenic by multiple algorithms,such as CADD(23.5), polyphen(0.997), SIFT(0), AlphaMissense(Pathogenic).

Literature cited by the submitters: PubMed 15838840; PubMed 30734403.